The following is an entry in ClinVar:

NM_182914.3(SYNE2):c.11994C>T (p.Thr3998=)

Gene: SYNE2 (spectrin repeat containing nuclear envelope protein 2; plus strand). Cytogenetic location: 14q23.2.
Variant type: single nucleotide variant.
Coding change: c.11994C>T on transcript NM_182914.3 (MANE Select); coding-DNA position 11994, C replaced by T.
Protein change: p.Thr3998=; no amino-acid change (threonine 3998 retained).
Molecular consequence: synonymous variant.
Genome position (GRCh38, 1-based): chr14:64,093,366, C>T. VCF-style: chr14-64093366-C-T. GRCh37 (hg19) VCF-style: chr14-64560084-C-T.
Other names: c.11994C>T, p.Thr3998= (NM_015180.6).
Identifiers: ClinVar variation 2644294 (VCV002644294.24), dbSNP rs2548783762, ClinGen allele CA486705129.

ClinVar aggregate classification (germline): Likely benign (1 of 4 stars; one submission).

Submission:

CeGaT Center for Human Genetics Tuebingen
Classification: Likely benign. Last evaluated: 2022-10-01. Review status: criteria provided, single submitter. Criteria: CeGaT Center For Human Genetics Tuebingen Variant Classification Criteria Version 2. Collection method: clinical testing. Allele origin: germline. Affected: yes. Observed: 1 variant allele.
Comment: SYNE2: PM2:Supporting, BP4, BP7